The following is an entry in ClinVar:

ClinVar aggregate classification (germline): Pathogenic (1 of 4 stars; one submission).

Conditions:
Primary failure of tooth eruption. Also called: DENTAL NONERUPTION; PRIMARY RETENTION OF TEETH; UNERUPTED SECOND PRIMARY MOLAR; POSTERIOR OPENBITE MALOCCLUSION, FAMILIAL. Identifiers: Orphanet 412206, MedGen C1852222, MONDO:0007434, OMIM 125350.

Submission:

Center of Excellence in Precision Medicine and Digital Health (CEPMDH), Faculty of Dentistry, Chulalongkorn University
Classification: Pathogenic for Primary failure of tooth eruption. Review status: criteria provided, single submitter. Criteria: ACMG Guidelines, 2015. Collection method: research. Allele origin: de novo. Inheritance: Autosomal dominant inheritance. Affected: yes. Observed: 1 variant allele, 1 heterozygote.
Comment: The c.665T>G missense variant in PTH1R was identified in an individual with autosomal dominant primary failure of tooth eruption (PFE). Risom L. et al. (2013) reported six novel PTH1R variants in families with PFE, including missense variants. In summary, the c.665T>G variant is classified as pathogenic according to ACMG guidelines.

Literature cited by the submitters: PubMed 24058597.

NM_000316.3(PTH1R):c.665T>G (p.Ile222Ser)

Gene: PTH1R (parathyroid hormone 1 receptor; plus strand). Cytogenetic location: 3p21.31.
Variant type: single nucleotide variant.
Coding change: c.665T>G on transcript NM_000316.3 (MANE Select); coding-DNA position 665, T replaced by G.
Protein change: p.Ile222Ser; replaces isoleucine 222 with serine.
Molecular consequence: missense variant.
Genome position (GRCh38, 1-based): chr3:46,898,688, T>G. VCF-style: chr3-46898688-T-G. GRCh37 (hg19) VCF-style: chr3-46940178-T-G.
Other names: c.665T>G, p.Ile222Ser (NM_001184744.1); short protein forms I222S.
Identifiers: ClinVar variation 4075760 (VCV004075760.1).